The following is an entry in ClinVar:

NM_001204288.2(MUC1):c.514G>T (p.Gly172Cys)

Gene: MUC1 (mucin 1, cell surface associated; minus strand). Cytogenetic location: 1q22.
Variant type: single nucleotide variant.
Coding change: c.514G>T on transcript NM_001204288.2; coding-DNA position 514, G replaced by T.
Protein change: p.Gly172Cys; replaces glycine 172 with cysteine.
Molecular consequence: missense variant. On other transcripts: synonymous variant (15), intron variant (4).
Genome position (GRCh38, 1-based): chr1:155,187,479, C>A on the plus strand (G>T on the coding strand, the complement: MUC1 is on the minus strand). VCF-style: chr1-155187479-C-A. GRCh37 (hg19) VCF-style: chr1-155159955-C-A.
Other names: c.514G>T (NM_001204288.1); c.546G>T, p.Leu182= (NM_001018016.3); c.519G>T, p.Leu173= (NM_001018017.3); c.363G>T, p.Leu121= (NM_001044390.3); c.331G>T, p.Gly111Cys (NM_001044393.3); c.1179G>T, p.Leu393= (NM_001204285.2); c.1206G>T, p.Leu402= (NM_001204286.1); c.600G>T, p.Leu200= (NM_001204287.2); and 13 more; short protein forms G111C, G172C.
Identifiers: ClinVar variation 3296821 (VCV003296821.2).
Genomic context (GRCh38, chr1:155,187,479, plus strand): 5'-CGGGGGGCTCTGATCAGGGCCAGGGACTGCACTCACCAAGGCAATGAGATAGACAATGGC[C>A]AGCGCAACCAGAACACAGACCAGCACCAGCAGCGCGATGCCCCAGCCTGGCACCCCAGCC-3'

ClinVar aggregate classification (germline): Likely benign. Review status: criteria provided, multiple submitters, no conflicts (2 of 4 stars). 2 submissions from 2 submitters: Likely benign (2). Last evaluated 2025-03-12.

Conditions:
MUC1-related disorder. Also called: MUC1-related condition.
Inborn genetic diseases. Identifiers: MedGen C0950123, MeSH D030342.

Submissions (2):

PreventionGenetics, part of Exact Sciences
Classification: Likely benign for MUC1-related condition. Last evaluated: 2025-03-12. Review status: criteria provided, single submitter. Criteria: ACMG Guidelines, 2015. Collection method: clinical testing. Allele origin: germline.
Comment: This variant is classified as likely benign based on ACMG/AMP sequence variant interpretation guidelines (Richards et al. 2015 PMID: 25741868, with internal and published modifications).

Ambry Genetics
Classification: Likely benign for Inborn genetic diseases. Last evaluated: 2024-04-04. Review status: criteria provided, single submitter. Criteria: Ambry Variant Classification Scheme 2023. Collection method: clinical testing. Allele origin: germline.